The following is an entry in ClinVar:

ClinVar aggregate classification (germline): Pathogenic (1 of 4 stars; one submission).

Conditions:
Inborn genetic diseases. Identifiers: MedGen C0950123, MeSH D030342.

Submission:

Ambry Genetics
Classification: Pathogenic for Inborn genetic diseases. Last evaluated: 2025-05-22. Review status: criteria provided, single submitter. Criteria: Ambry Variant Classification Scheme 2023. Collection method: clinical testing. Allele origin: germline.
Comment: The c.1381G>T (p.E461*) alteration, located in exon 1 (coding exon 1) of the IRF2BPL gene, consists of a G to T substitution at nucleotide position 1381. This changes the amino acid from a glutamic acid (E) to a stop codon (*) at amino acid position 461. Premature stop codons are typically deleterious in nature; however, because IRF2BPL is a single-exon gene this alteration is not expected to trigger nonsense-mediated mRNA decay and a(n) altered/truncated protein could still be expressed (Maquat, 2004). This alteration impacts/removes the last 336 amino acids of the protein and the exact functional impact of these amino acids is unknown at this time. This variant was not reported in population-based cohorts in the Genome Aggregation Database (gnomAD). Based on the available evidence, this alteration is classified as pathogenic.

NM_024496.4(IRF2BPL):c.1381G>T (p.Glu461Ter)

Gene: IRF2BPL (interferon regulatory factor 2 binding protein like; minus strand). Cytogenetic location: 14q24.3.
Variant type: single nucleotide variant.
Coding change: c.1381G>T on transcript NM_024496.4 (MANE Select); coding-DNA position 1381, G replaced by T.
Protein change: p.Glu461Ter; replaces glutamic acid 461 with a stop codon.
Molecular consequence: nonsense.
Genome position (GRCh38, 1-based): chr14:77,026,412, C>A on the plus strand (G>T on the coding strand, the complement: IRF2BPL is on the minus strand). VCF-style: chr14-77026412-C-A. GRCh37 (hg19) VCF-style: chr14-77492755-C-A.
Other names: short protein forms E461*.
Identifiers: ClinVar variation 4039556 (VCV004039556.1).